The following is an entry in ClinVar:

ClinVar aggregate classification (germline): Uncertain significance (1 of 4 stars; one submission).

gnomAD v4.1: 6 of 1,479,910 alleles (0.00041%); highest among the groups gnomAD compares: Non-Finnish European, 0.00045%; no homozygotes.

Submission:

Labcorp Genetics (formerly Invitae), Labcorp
Classification: Uncertain significance. Last evaluated: 2025-08-18. Review status: criteria provided, single submitter. Criteria: Invitae Variant Classification Sherloc (09022015). Collection method: clinical testing. Allele origin: germline.
Comment: This sequence change replaces proline, which is neutral and non-polar, with alanine, which is neutral and non-polar, at codon 162 of the MNX1 protein (p.Pro162Ala). This variant is not present in population databases (gnomAD no frequency). This variant has not been reported in the literature in individuals affected with MNX1-related conditions. ClinVar contains an entry for this variant (Variation ID: 3645060). Invitae Evidence Modeling of protein sequence and biophysical properties (such as structural, functional, and spatial information, amino acid conservation, physicochemical variation, residue mobility, and thermodynamic stability) indicates that this missense variant is not expected to disrupt MNX1 protein function with a negative predictive value of 80%. In summary, the available evidence is currently insufficient to determine the role of this variant in disease. Therefore, it has been classified as a Variant of Uncertain Significance.

NM_005515.4(MNX1):c.484C>G (p.Pro162Ala)

Genes: MNX1 (motor neuron and pancreas homeobox 1; minus strand), LOC129999735 (ATAC-STARR-seq lymphoblastoid silent region 18857; plus strand). Cytogenetic location: 7q36.3.
Variant type: single nucleotide variant.
Coding change: c.484C>G on transcript NM_005515.4 (MANE Select); coding-DNA position 484, C replaced by G.
Protein change: p.Pro162Ala; replaces proline 162 with alanine.
Molecular consequence: missense variant.
Genome position (GRCh38, 1-based): chr7:157,009,867, G>C on the plus strand (C>G on the coding strand, the complement: MNX1 is on the minus strand). VCF-style: chr7-157009867-G-C. GRCh37 (hg19) VCF-style: chr7-156802561-G-C.
Other names: short protein forms P162A.
Identifiers: ClinVar variation 3645060 (VCV003645060.2).